The following is an entry in ClinVar:

NM_014639.4(SKIC3):c.3268A>T (p.Ile1090Phe)

Gene: SKIC3 (SKI3 subunit of superkiller complex; minus strand). Cytogenetic location: 5q15.
Variant type: single nucleotide variant.
Coding change: c.3268A>T on transcript NM_014639.4 (MANE Select); coding-DNA position 3268, A replaced by T.
Protein change: p.Ile1090Phe; replaces isoleucine 1090 with phenylalanine.
Molecular consequence: missense variant.
Genome position (GRCh38, 1-based): chr5:95,502,953, T>A on the plus strand (A>T on the coding strand, the complement: SKIC3 is on the minus strand). VCF-style: chr5-95502953-T-A. GRCh37 (hg19) VCF-style: chr5-94838657-T-A.
Other names: short protein forms I1090F.
Identifiers: ClinVar variation 2052896 (VCV002052896.5), dbSNP rs749351267, ClinGen allele CA360452157.

ClinVar aggregate classification (germline): Uncertain significance. Review status: criteria provided, multiple submitters, no conflicts (2 of 4 stars). 2 submissions from 2 submitters: Uncertain significance (2). Last evaluated 2022-04-07.

Conditions:
Inborn genetic diseases. Identifiers: MedGen C0950123, MeSH D030342.

gnomAD v4.1: 14 of 1,614,154 alleles (0.00087%); highest among the groups gnomAD compares: Non-Finnish European, 0.0012%; no homozygotes.

Submissions (2):

Labcorp Genetics (formerly Invitae), Labcorp
Classification: Uncertain significance. Last evaluated: 2022-04-07. Review status: criteria provided, single submitter. Criteria: Invitae Variant Classification Sherloc (09022015). Collection method: clinical testing. Allele origin: germline.
Comment: In summary, the available evidence is currently insufficient to determine the role of this variant in disease. Therefore, it has been classified as a Variant of Uncertain Significance. Algorithms developed to predict the effect of missense changes on protein structure and function are either unavailable or do not agree on the potential impact of this missense change (SIFT: "Deleterious"; PolyPhen-2: "Benign"; Align-GVGD: "Class C0"). This variant has not been reported in the literature in individuals affected with TTC37-related conditions. This variant is present in population databases (no rsID available, gnomAD 0.0009%). This sequence change replaces isoleucine, which is neutral and non-polar, with phenylalanine, which is neutral and non-polar, at codon 1090 of the TTC37 protein (p.Ile1090Phe).

Ambry Genetics
Classification: Uncertain significance for Inborn genetic diseases. Last evaluated: 2022-02-02. Review status: criteria provided, single submitter. Criteria: Ambry Variant Classification Scheme 2023. Collection method: clinical testing. Allele origin: germline.